The following is an entry in ClinVar:

ClinVar aggregate classification (germline): Uncertain significance. Review status: criteria provided, multiple submitters, no conflicts (2 of 4 stars). 2 submissions from 2 submitters: Uncertain significance (2). Last evaluated 2024-11-26.

Conditions:
Intellectual developmental disorder with autism and speech delay. Also called: Autism 5; AUTISM-RELATED SPEECH DELAY; PHRASE SPEECH DELAY, AUTISM-RELATED; Autism, susceptibility to, 5; AUTS5. Identifiers: MedGen C1853755, MONDO:0011627, OMIM 606053.

Allele frequency attached by ClinVar (database versions not stated): gnomAD exomes below 0.00001.
gnomAD v4.1: 1 of 1,604,648 alleles (0.000062%); highest among the groups gnomAD compares: Non-Finnish European, 0.000085%; no homozygotes.

Submissions (2):

GeneDx
Classification: Uncertain significance. Last evaluated: 2024-11-26. Review status: criteria provided, single submitter. Criteria: GeneDx Variant Classification Process June 2021. Collection method: clinical testing. Allele origin: germline. Affected: yes.
Comment: Not observed at significant frequency in large population cohorts (gnomAD); In silico analysis indicates that this missense variant does not alter protein structure/function; Has not been previously published as pathogenic or benign to our knowledge

Laboratorio de Genetica e Diagnostico Molecular, Hospital Israelita Albert Einstein
Classification: Uncertain significance for Intellectual developmental disorder with autism and speech delay. Last evaluated: 2022-10-31. Review status: criteria provided, single submitter. Criteria: ACMG Guidelines, 2015. Collection method: clinical testing. Allele origin: germline. Affected: yes.
Comment: ACMG classification criteria: PM2 moderated

NM_006593.4(TBR1):c.1271G>A (p.Arg424His)

Gene: TBR1 (T-box brain transcription factor 1; plus strand). Cytogenetic location: 2q24.2.
Variant type: single nucleotide variant.
Coding change: c.1271G>A on transcript NM_006593.4 (MANE Select); coding-DNA position 1271, G replaced by A.
Protein change: p.Arg424His; replaces arginine 424 with histidine.
Molecular consequence: missense variant.
Genome position (GRCh38, 1-based): chr2:161,423,449, G>A. VCF-style: chr2-161423449-G-A. GRCh37 (hg19) VCF-style: chr2-162279960-G-A.
Other names: c.1271G>A (NM_006593.2); short protein forms R424H.
Identifiers: ClinVar variation 2431857 (VCV002431857.3), dbSNP rs1231245992, ClinGen allele CA349213359.